The following is an entry in ClinVar:

ClinVar aggregate classification (germline): Uncertain significance. Review status: criteria provided, multiple submitters, no conflicts (2 of 4 stars). 2 submissions from 2 submitters: Uncertain significance (2). Last evaluated 2025-04-22.

Conditions:
Early-infantile DEE. Also called: Ohtahara syndrome; Early infantile epileptic encephalopathy with suppression bursts; Early infantile epileptic encephalopathy. Identifiers: Orphanet 1934, MedGen C0393706, MONDO:0800491.
Inborn genetic diseases. Identifiers: MedGen C0950123, MeSH D030342.

Allele frequency attached by ClinVar (database versions not stated): gnomAD 0.00001; TOPMed 0.00001; ExAC 0.00002.

Submissions (2):

Labcorp Genetics (formerly Invitae), Labcorp
Classification: Uncertain significance for Early-infantile DEE. Last evaluated: 2025-04-22. Review status: criteria provided, single submitter. Criteria: Invitae Variant Classification Sherloc (09022015). Collection method: clinical testing. Allele origin: germline.
Comment: This sequence change replaces serine, which is neutral and polar, with leucine, which is neutral and non-polar, at codon 2243 of the SPTAN1 protein (p.Ser2243Leu). This variant is present in population databases (rs769859369, gnomAD 0.003%). This missense change has been observed in individual(s) with West syndrome (internal data). ClinVar contains an entry for this variant (Variation ID: 1424929). Invitae Evidence Modeling of protein sequence and biophysical properties (such as structural, functional, and spatial information, amino acid conservation, physicochemical variation, residue mobility, and thermodynamic stability) has been performed for this missense variant. However, the output from this modeling did not meet the statistical confidence thresholds required to predict the impact of this variant on SPTAN1 protein function. In summary, the available evidence is currently insufficient to determine the role of this variant in disease. Therefore, it has been classified as a Variant of Uncertain Significance.

Ambry Genetics
Classification: Uncertain significance for Inborn genetic diseases. Last evaluated: 2024-07-14. Review status: criteria provided, single submitter. Criteria: Ambry Variant Classification Scheme 2023. Collection method: clinical testing. Allele origin: germline.

NM_001130438.3(SPTAN1):c.6728C>T (p.Ser2243Leu)

Gene: SPTAN1 (spectrin alpha, non-erythrocytic 1; plus strand). Cytogenetic location: 9q34.11.
Variant type: single nucleotide variant.
Coding change: c.6728C>T on transcript NM_001130438.3 (MANE Select); coding-DNA position 6728, C replaced by T.
Protein change: p.Ser2243Leu; replaces serine 2243 with leucine.
Molecular consequence: missense variant.
Genome position (GRCh38, 1-based): chr9:128,630,341, C>T. VCF-style: chr9-128630341-C-T. GRCh37 (hg19) VCF-style: chr9-131392620-C-T.
Other names: c.6728C>T (NM_001130438.2); c.6653C>T, p.Ser2218Leu (NM_001195532.2); c.6791C>T, p.Ser2264Leu (NM_001363759.2); c.6668C>T, p.Ser2223Leu (NM_001363765.2, NM_001375314.2); c.6815C>T, p.Ser2272Leu (NM_001375310.1); c.6728C>T, p.Ser2243Leu (NM_001375311.2); c.6764C>T, p.Ser2255Leu (NM_001375312.2); c.6710C>T, p.Ser2237Leu (NM_001375313.1); and 2 more; short protein forms S2272L, S2276L, S2218L, S2255L, S2223L, S2237L, S2264L, S2238L.
Identifiers: ClinVar variation 1424929 (VCV001424929.10), dbSNP rs769859369, ClinGen allele CA5265888.